The following is an entry in ClinVar:

ClinVar aggregate classification (germline): Likely benign (0 of 4 stars; one submission).

Conditions:
CENPP-related disorder. Also called: CENPP-related condition.

Allele frequency attached by ClinVar (database versions not stated): gnomAD exomes 0.00011; ExAC 0.00038; ESP Exome Variant Server 0.00115; gnomAD 0.00122; TOPMed 0.00130; 1000 Genomes Project 30x 0.00234; 1000 Genomes Project 0.00280.

Submission:

PreventionGenetics, part of Exact Sciences
Classification: Likely benign for CENPP-related condition. Last evaluated: 2022-04-28. Review status: no assertion criteria provided. Collection method: clinical testing. Allele origin: germline.
Comment: This variant is classified as likely benign based on ACMG/AMP sequence variant interpretation guidelines (Richards et al. 2015 PMID: 25741868, with internal and published modifications).

NM_001012267.3(CENPP):c.503G>A (p.Arg168Gln)

Gene: CENPP (centromere protein P; plus strand). Cytogenetic location: 9q22.31.
Variant type: single nucleotide variant.
Coding change: c.503G>A on transcript NM_001012267.3 (MANE Select); coding-DNA position 503, G replaced by A.
Protein change: p.Arg168Gln; replaces arginine 168 with glutamine.
Molecular consequence: missense variant.
Genome position (GRCh38, 1-based): chr9:92,379,798, G>A. VCF-style: chr9-92379798-G-A. GRCh37 (hg19) VCF-style: chr9-95142080-G-A.
Other names: c.167G>A, p.Arg56Gln (NM_001286969.1); short protein forms R168Q, R56Q.
Identifiers: ClinVar variation 3048561 (VCV003048561.2), dbSNP rs143792971, ClinGen allele CA5124113.